The following is an entry in ClinVar:

NM_052947.4(ALPK2):c.1276C>A (p.Gln426Lys)

Gene: ALPK2 (alpha kinase 2; minus strand). Cytogenetic location: 18q21.31.
Variant type: single nucleotide variant.
Coding change: c.1276C>A on transcript NM_052947.4 (MANE Select); coding-DNA position 1276, C replaced by A.
Protein change: p.Gln426Lys; replaces glutamine 426 with lysine.
Molecular consequence: missense variant.
Genome position (GRCh38, 1-based): chr18:58,579,500, G>T on the plus strand (C>A on the coding strand, the complement: ALPK2 is on the minus strand). VCF-style: chr18-58579500-G-T. GRCh37 (hg19) VCF-style: chr18-56246732-G-T.
Other names: short protein forms Q426K.
Identifiers: ClinVar variation 3290668 (VCV003290668.1).

ClinVar aggregate classification (germline): Uncertain significance (1 of 4 stars; one submission).

Submission:

Ambry Genetics
Classification: Uncertain significance. Last evaluated: 2024-06-06. Review status: criteria provided, single submitter. Criteria: Ambry Variant Classification Scheme 2023. Collection method: clinical testing. Allele origin: germline.
Comment: The p.Q426K variant (also known as c.1276C>A), located in coding exon 3 of the ALPK2 gene, results from a C to A substitution at nucleotide position 1276. The glutamine at codon 426 is replaced by lysine, an amino acid with similar properties. This amino acid position is conserved. In addition, this alteration is predicted to be tolerated by in silico analysis. Based on the available evidence, the clinical significance of this variant remains unclear.